The following is an entry in ClinVar:

NM_017617.5(NOTCH1):c.6552G>T (p.Gln2184His)

Gene: NOTCH1 (notch receptor 1; minus strand). Cytogenetic location: 9q34.3.
Variant type: single nucleotide variant.
Coding change: c.6552G>T on transcript NM_017617.5 (MANE Select); coding-DNA position 6552, G replaced by T.
Protein change: p.Gln2184His; replaces glutamine 2184 with histidine.
Molecular consequence: missense variant.
Genome position (GRCh38, 1-based): chr9:136,497,187, C>A on the plus strand (G>T on the coding strand, the complement: NOTCH1 is on the minus strand). VCF-style: chr9-136497187-C-A. GRCh37 (hg19) VCF-style: chr9-139391639-C-A.
Other names: c.6552G>T (NM_017617.3); short protein forms Q2184H.
Identifiers: ClinVar variation 2718412 (VCV002718412.4), dbSNP rs1842930688, ClinGen allele CA375631293.

ClinVar aggregate classification (germline): Uncertain significance. Review status: criteria provided, multiple submitters, no conflicts (2 of 4 stars). 2 submissions from 2 submitters: Uncertain significance (2). Last evaluated 2024-10-27.

Conditions:
Adams-Oliver syndrome 5 (AOS5). Identifiers: Orphanet 974, MedGen C4014970, MONDO:0014459, OMIM 616028.
Familial thoracic aortic aneurysm and aortic dissection (TAAD). Also called: Thoracic aortic aneurysms and dissections. Identifiers: Orphanet 91387, MedGen C4707243, MONDO:0019625.

Allele frequency attached by ClinVar (database versions not stated): gnomAD exomes 0.00001.
gnomAD v4.1: 8 of 1,612,832 alleles (0.0005%); highest among the groups gnomAD compares: Non-Finnish European, 0.00068%; no homozygotes.

Submissions (2):

Ambry Genetics
Classification: Uncertain significance for Familial thoracic aortic aneurysm and aortic dissection. Last evaluated: 2024-10-27. Review status: criteria provided, single submitter. Criteria: Ambry Variant Classification Scheme 2023. Collection method: clinical testing. Allele origin: germline.
Comment: The p.Q2184H variant (also known as c.6552G>T), located in coding exon 34 of the NOTCH1 gene, results from a G to T substitution at nucleotide position 6552. The glutamine at codon 2184 is replaced by histidine, an amino acid with highly similar properties. This amino acid position is conserved. In addition, this alteration is predicted to be tolerated by in silico analysis. Based on the available evidence, the clinical significance of this variant remains unclear.

Labcorp Genetics (formerly Invitae), Labcorp
Classification: Uncertain significance for Adams-Oliver syndrome 5. Last evaluated: 2023-07-13. Review status: criteria provided, single submitter. Criteria: Invitae Variant Classification Sherloc (09022015). Collection method: clinical testing. Allele origin: germline.
Comment: This sequence change replaces glutamine, which is neutral and polar, with histidine, which is basic and polar, at codon 2184 of the NOTCH1 protein (p.Gln2184His). This variant is not present in population databases (gnomAD no frequency). This variant has not been reported in the literature in individuals affected with NOTCH1-related conditions. In summary, the available evidence is currently insufficient to determine the role of this variant in disease. Therefore, it has been classified as a Variant of Uncertain Significance. Advanced modeling of protein sequence and biophysical properties (such as structural, functional, and spatial information, amino acid conservation, physicochemical variation, residue mobility, and thermodynamic stability) performed at Invitae indicates that this missense variant is not expected to disrupt NOTCH1 protein function.